The following is an entry in ClinVar:

ClinVar aggregate classification (germline): Likely benign. Review status: criteria provided, multiple submitters, no conflicts (2 of 4 stars). 3 submissions from 3 submitters: Likely benign (3). Last evaluated 2025-07-17.

Conditions:
Hereditary cancer-predisposing syndrome. Also called: Tumor predisposition; Neoplastic Syndromes, Hereditary; Hereditary Cancer Syndrome; Hereditary neoplastic syndrome. Identifiers: Orphanet 140162, MedGen C0027672, MeSH D009386, MONDO:0015356.
Microcephaly, normal intelligence and immunodeficiency (NBS). Also called: Nijmegen breakage syndrome; Microcephaly with normal intelligence immunodeficiency and lymphoreticular malignancies; Nonsyndromal microcephaly autosomal recessive with normal intelligence; Seemanova syndrome 2; Immunodeficiency, microcephaly with normal intelligence; BERLIN BREAKAGE SYNDROME. Identifiers: Orphanet 647, MedGen C0398791, MONDO:0009623, OMIM 251260.

Allele frequency attached by ClinVar (database versions not stated): gnomAD exomes below 0.00001; ExAC 0.00002.
gnomAD v4.1: 3 of 1,613,746 alleles (0.00019%); highest among the groups gnomAD compares: South Asian, 0.0011%; no homozygotes.

Submissions (3):

Institute for Biomarker Research, Medical Diagnostic Laboratories, L.L.C.
Classification: Likely benign for Hereditary cancer-predisposing syndrome. Last evaluated: 2025-07-17. Review status: criteria provided, single submitter. Criteria: ACMG Guidelines, 2015. Collection method: clinical testing. Allele origin: germline.
Comment: The synonymous variant NM_002485.5(NBN):c.1347G>A (p.Gln449=) has been reported to ClinVar as Likely benign with a status of (2 stars) criteria provided, multiple submitters, no conflicts (Variation ID 416889 as of 2025-07-03. The p.Gln449= variant is not predicted to disrupt an existing splice site. The p.Gln449= variant results in a substitution of a base that is not predicted conserved by GERP++ and PhyloP. For these reasons, this variant has been classified as Likely Benign.

Labcorp Genetics (formerly Invitae), Labcorp
Classification: Likely benign for Microcephaly, normal intelligence and immunodeficiency. Last evaluated: 2024-10-27. Review status: criteria provided, single submitter. Criteria: Invitae Variant Classification Sherloc (09022015). Collection method: clinical testing. Allele origin: germline.

Ambry Genetics
Classification: Likely benign for Hereditary cancer-predisposing syndrome. Last evaluated: 2016-03-03. Review status: criteria provided, single submitter. Criteria: Ambry Variant Classification Scheme 2023. Collection method: clinical testing. Allele origin: germline.

NM_002485.5(NBN):c.1347G>A (p.Gln449=)

Gene: NBN (nibrin; minus strand). Cytogenetic location: 8q21.3.
Variant type: single nucleotide variant.
Coding change: c.1347G>A on transcript NM_002485.5 (MANE Select); coding-DNA position 1347, G replaced by A.
Protein change: p.Gln449=; no amino-acid change (glutamine 449 retained).
Molecular consequence: synonymous variant.
Genome position (GRCh38, 1-based): chr8:89,955,333, C>T on the plus strand (G>A on the coding strand, the complement: NBN is on the minus strand). VCF-style: chr8-89955333-C-T. GRCh37 (hg19) VCF-style: chr8-90967561-C-T.
Other names: c.1101G>A, p.Gln367= (NM_001024688.3).
Identifiers: ClinVar variation 416889 (VCV000416889.19), dbSNP rs761492204, ClinGen allele CA4802763.